The following is an entry in ClinVar:

NM_001267550.2(TTN):c.11311+5481A>T

Genes: TTN (titin; minus strand), LOC126806432 (CDK7 strongly-dependent group 2 enhancer GRCh37_chr2:179611985-179613184; plus strand). Cytogenetic location: 2q31.2.
Variant type: single nucleotide variant.
Coding change: c.11311+5481A>T on transcript NM_001267550.2 (MANE Select); 5481 bases into the intron after coding-DNA position 11311, A replaced by T.
Molecular consequence: intron variant. On other transcripts: missense variant (1).
Genome position (GRCh38, 1-based): chr2:178,747,643, T>A on the plus strand (A>T on the coding strand, the complement: TTN is on the minus strand). VCF-style: chr2-178747643-T-A. GRCh37 (hg19) VCF-style: chr2-179612370-T-A.
Other names: c.14757A>T, p.Glu4919Asp (NM_133379.5); c.10222+5481A>T (NM_003319.4); c.10798+5481A>T (NM_133437.4); c.10597+5481A>T (NM_133432.3); c.10360+5481A>T (NM_133378.4, NM_001256850.1); short protein forms E4919D.
Identifiers: ClinVar variation 3375551 (VCV003375551.1).

ClinVar aggregate classification (germline): Uncertain significance (1 of 4 stars; one submission).

Submission:

GeneDx
Classification: Uncertain significance. Last evaluated: 2024-05-08. Review status: criteria provided, single submitter. Criteria: GeneDx Variant Classification Process June 2021. Collection method: clinical testing. Allele origin: germline. Affected: yes.
Comment: Not observed at significant frequency in large population cohorts (gnomAD); Has not been previously published as pathogenic or benign to our knowledge